The following is an entry in ClinVar:

ClinVar aggregate classification (germline): Uncertain significance (1 of 4 stars; one submission).

Conditions:
Achondrogenesis, type IA (ACG1A). Identifiers: Orphanet 932, Orphanet 93299, MedGen C0265273, MONDO:0008701, OMIM 200600.

Allele frequency attached by ClinVar (database versions not stated): gnomAD 0.00002.
gnomAD v4.1: 4 of 1,613,850 alleles (0.00025%); highest among the groups gnomAD compares: African/African-American, 0.004%; no homozygotes.

Submission:

Labcorp Genetics (formerly Invitae), Labcorp
Classification: Uncertain significance for Achondrogenesis, type IA. Last evaluated: 2022-08-16. Review status: criteria provided, single submitter. Criteria: Invitae Variant Classification Sherloc (09022015). Collection method: clinical testing. Allele origin: germline.
Comment: In summary, the available evidence is currently insufficient to determine the role of this variant in disease. Therefore, it has been classified as a Variant of Uncertain Significance. Algorithms developed to predict the effect of missense changes on protein structure and function are either unavailable or do not agree on the potential impact of this missense change (SIFT: "Not Available"; PolyPhen-2: "Possibly Damaging"; Align-GVGD: "Not Available"). This variant has not been reported in the literature in individuals affected with TRIP11-related conditions. This variant is not present in population databases (gnomAD no frequency). This sequence change replaces alanine, which is neutral and non-polar, with proline, which is neutral and non-polar, at codon 1507 of the TRIP11 protein (p.Ala1507Pro).

NM_004239.4(TRIP11):c.4519G>C (p.Ala1507Pro)

Gene: TRIP11 (thyroid hormone receptor interactor 11; minus strand). Cytogenetic location: 14q32.12.
Variant type: single nucleotide variant.
Coding change: c.4519G>C on transcript NM_004239.4 (MANE Select); coding-DNA position 4519, G replaced by C.
Protein change: p.Ala1507Pro; replaces alanine 1507 with proline.
Molecular consequence: missense variant.
Genome position (GRCh38, 1-based): chr14:92,003,457, C>G on the plus strand (G>C on the coding strand, the complement: TRIP11 is on the minus strand). VCF-style: chr14-92003457-C-G. GRCh37 (hg19) VCF-style: chr14-92469801-C-G.
Other names: c.4516G>C, p.Ala1506Pro (NM_001321851.1); short protein forms A1506P, A1507P.
Identifiers: ClinVar variation 1949900 (VCV001949900.5), dbSNP rs1348628757, ClinGen allele CA16040571.